The following is an entry in ClinVar:

ClinVar aggregate classification (germline): Uncertain significance. Review status: criteria provided, multiple submitters, no conflicts (2 of 4 stars). 3 submissions from 3 submitters: Uncertain significance (2). 1 of the submissions does not count toward it. Last evaluated 2025-08-01.

Conditions:
Neutropenia, severe congenital, 1, autosomal dominant. Identifiers: MedGen C1859966, MONDO:0042490, OMIM 202700.
Cyclical neutropenia. Also called: Cyclic hematopoiesis; Cyclic Neutropenia. Identifiers: Orphanet 2686, MedGen C0221023, MONDO:0008090, OMIM 162800, HP:0040289. Disease mechanism: loss of function.

Submissions (3):

Mayo Clinic Laboratories, Mayo Clinic
Classification: Uncertain significance. Last evaluated: 2025-08-01. Review status: criteria provided, single submitter. Criteria: ACMG Guidelines, 2015. Collection method: clinical testing. Allele origin: germline. Observed: 1 variant allele.
Comment: PM1, PM2_supporting

Labcorp Genetics (formerly Invitae), Labcorp
Classification: Uncertain significance for Neutropenia, severe congenital, 1, autosomal dominant; Cyclical neutropenia. Last evaluated: 2025-07-22. Review status: criteria provided, single submitter. Criteria: Invitae Variant Classification Sherloc (09022015). Collection method: clinical testing. Allele origin: germline.
Comment: This sequence change replaces asparagine, which is neutral and polar, with histidine, which is basic and polar, at codon 124 of the ELANE protein (p.Asn124His). This variant is not present in population databases (gnomAD no frequency). This missense change has been observed in individual(s) with neutropenia (PMID: 34340247). Invitae Evidence Modeling of protein sequence and biophysical properties (such as structural, functional, and spatial information, amino acid conservation, physicochemical variation, residue mobility, and thermodynamic stability) has been performed for this missense variant. However, the output from this modeling did not meet the statistical confidence thresholds required to predict the impact of this variant on ELANE protein function. In summary, the available evidence is currently insufficient to determine the role of this variant in disease. Therefore, it has been classified as a Variant of Uncertain Significance.

Laboratory of Immunopathology and Genetics, Medical Laboratory of Pediatric Oncology and Hematology, Central Clinical Hospital of the Medical University of Lodz
Classification: Likely pathogenic for Neutropenia, severe congenital, 1, autosomal dominant. Last evaluated: 2024-12-01. Review status: no assertion criteria provided. Collection method: clinical testing. Allele origin: germline. Affected: yes. Observed: 1 variant allele. Not counted in ClinVar's aggregate classification.

Literature cited by the submitters: PubMed 34340247 (cited by Mayo Clinic Laboratories, Mayo Clinic and Labcorp Genetics (formerly Invitae), Labcorp); PubMed 3550808 (cited by Mayo Clinic Laboratories, Mayo Clinic).

NM_001972.4(ELANE):c.370A>C (p.Asn124His)

Gene: ELANE (elastase, neutrophil expressed; plus strand). Cytogenetic location: 19p13.3.
Variant type: single nucleotide variant.
Coding change: c.370A>C on transcript NM_001972.4 (MANE Select); coding-DNA position 370, A replaced by C.
Protein change: p.Asn124His; replaces asparagine 124 with histidine.
Molecular consequence: missense variant.
Genome position (GRCh38, 1-based): chr19:855,567, A>C. VCF-style: chr19-855567-A-C. GRCh37 (hg19) VCF-style: chr19-855567-A-C.
Other names: p.Asn124His; short protein forms N124H.
Identifiers: ClinVar variation 4076129 (VCV004076129.3).